The following is an entry in ClinVar:

NM_006767.4(LZTR1):c.785A>G (p.Asp262Gly)

Gene: LZTR1 (leucine zipper like post translational regulator 1; plus strand). Cytogenetic location: 22q11.21.
Variant type: single nucleotide variant.
Coding change: c.785A>G on transcript NM_006767.4 (MANE Select); coding-DNA position 785, A replaced by G.
Protein change: p.Asp262Gly; replaces aspartic acid 262 with glycine.
Molecular consequence: missense variant.
Genome position (GRCh38, 1-based): chr22:20,990,519, A>G. VCF-style: chr22-20990519-A-G. GRCh37 (hg19) VCF-style: chr22-21344808-A-G.
Other names: short protein forms D262G.
Identifiers: ClinVar variation 1037082 (VCV001037082.12), dbSNP rs776759823, ClinGen allele CA10118610.

ClinVar aggregate classification (germline): Conflicting classifications of pathogenicity. Review status: criteria provided, conflicting classifications (1 of 4 stars). 2 submissions from 2 submitters: Uncertain significance (1); Likely benign (1). Last evaluated 2025-01-27.

Conditions:
Cardiovascular phenotype. Identifiers: MedGen CN230736.
Hereditary cancer-predisposing syndrome. Also called: Neoplastic Syndromes, Hereditary; Hereditary Cancer Syndrome; Tumor predisposition; Hereditary neoplastic syndrome. Identifiers: Orphanet 140162, MedGen C0027672, MeSH D009386, MONDO:0015356.

Allele frequency attached by ClinVar (database versions not stated): gnomAD exomes below 0.00001 and 0.00001; TOPMed below 0.00001; ExAC 0.00001; gnomAD 0.00001.
gnomAD v4.1: 6 of 1,610,644 alleles (0.00037%); highest among the groups gnomAD compares: Non-Finnish European, 0.00051%; no homozygotes.

Submissions (2):

Labcorp Genetics (formerly Invitae), Labcorp
Classification: Uncertain significance. Last evaluated: 2025-01-27. Review status: criteria provided, single submitter. Criteria: Invitae Variant Classification Sherloc (09022015). Collection method: clinical testing. Allele origin: germline.
Comment: This sequence change replaces aspartic acid, which is acidic and polar, with glycine, which is neutral and non-polar, at codon 262 of the LZTR1 protein (p.Asp262Gly). This variant is present in population databases (rs776759823, gnomAD 0.0009%). This variant has not been reported in the literature in individuals affected with LZTR1-related conditions. ClinVar contains an entry for this variant (Variation ID: 1037082). Invitae Evidence Modeling of protein sequence and biophysical properties (such as structural, functional, and spatial information, amino acid conservation, physicochemical variation, residue mobility, and thermodynamic stability) indicates that this missense variant is not expected to disrupt LZTR1 protein function with a negative predictive value of 80%. In summary, the available evidence is currently insufficient to determine the role of this variant in disease. Therefore, it has been classified as a Variant of Uncertain Significance.

Ambry Genetics
Classification: Likely benign for Cardiovascular phenotype; Hereditary cancer-predisposing syndrome. Last evaluated: 2024-08-23. Review status: criteria provided, single submitter. Criteria: Ambry Variant Classification Scheme 2023. Collection method: clinical testing. Allele origin: germline.